The following is an entry in ClinVar:

NM_001351132.2(PEX5):c.1900A>G (p.Met634Val)

Gene: PEX5 (peroxisomal biogenesis factor 5; plus strand). Cytogenetic location: 12p13.31.
Variant type: single nucleotide variant.
Coding change: c.1900A>G on transcript NM_001351132.2 (MANE Select); coding-DNA position 1900, A replaced by G.
Protein change: p.Met634Val; replaces methionine 634 with valine.
Molecular consequence: missense variant.
Genome position (GRCh38, 1-based): chr12:7,210,203, A>G. VCF-style: chr12-7210203-A-G. GRCh37 (hg19) VCF-style: chr12-7362799-A-G.
Other names: c.1876A>G, p.Met626Val (NM_000319.5); c.1945A>G, p.Met649Val (NM_001131023.2); c.1789A>G, p.Met597Val (NM_001131024.2, NM_001351124.3, NM_001351126.2 and 7 more transcripts); c.1900A>G, p.Met634Val (NM_001131025.2, NM_001131026.2, NM_001300789.3 and 4 more transcripts); c.1834A>G, p.Met612Val (NM_001351135.3, NM_001351138.2); c.1891A>G, p.Met631Val (NM_001351136.2); c.1765A>G, p.Met589Val (NM_001351139.2, NM_001351140.2, NM_001374649.2); short protein forms M597V, M612V, M631V, M589V, M626V, M649V, M634V.
Identifiers: ClinVar variation 1439331 (VCV001439331.3), dbSNP rs766669738, ClinGen allele CA6426619.

ClinVar aggregate classification (germline): Uncertain significance (1 of 4 stars; one submission).

Conditions:
Peroxisome biogenesis disorder 2B (PBD2B). Identifiers: Orphanet 44, MedGen C3550234, MONDO:0008736, OMIM 202370.

Allele frequency attached by ClinVar (database versions not stated): gnomAD exomes below 0.00001 and 0.00001; ExAC 0.00001; gnomAD 0.00002; TOPMed 0.00002.
gnomAD v4.1: 19 of 1,613,914 alleles (0.0012%); highest among the groups gnomAD compares: Non-Finnish European, 0.0014%; no homozygotes.

Submission:

Labcorp Genetics (formerly Invitae), Labcorp
Classification: Uncertain significance for Peroxisome biogenesis disorder 2B. Last evaluated: 2022-10-17. Review status: criteria provided, single submitter. Criteria: Invitae Variant Classification Sherloc (09022015). Collection method: clinical testing. Allele origin: germline.
Comment: This sequence change replaces methionine, which is neutral and non-polar, with valine, which is neutral and non-polar, at codon 634 of the PEX5 protein (p.Met634Val). This variant is present in population databases (rs766669738, gnomAD 0.0009%). This variant has not been reported in the literature in individuals affected with PEX5-related conditions. ClinVar contains an entry for this variant (Variation ID: 1439331). Advanced modeling of protein sequence and biophysical properties (such as structural, functional, and spatial information, amino acid conservation, physicochemical variation, residue mobility, and thermodynamic stability) performed at Invitae indicates that this missense variant is not expected to disrupt PEX5 protein function. In summary, the available evidence is currently insufficient to determine the role of this variant in disease. Therefore, it has been classified as a Variant of Uncertain Significance.